The following is an entry in ClinVar:

NM_006147.4(IRF6):c.902del (p.Gly301fs)

Gene: IRF6 (interferon regulatory factor 6; minus strand). Cytogenetic location: 1q32.2.
Variant type: Deletion.
Coding change: c.902del on transcript NM_006147.4 (MANE Select); coding-DNA position 902, one base deleted (G; older notation c.902delG).
Protein change: p.Gly301fs; shifts the reading frame from glycine 301.
Molecular consequence: frameshift variant.
Genome position (GRCh38, 1-based): chr1:209,790,653, C deleted on the plus strand (G on the coding strand, the reverse complement: IRF6 is on the minus strand); the first of 2 consecutive C bases (chr1:209,790,653-209,790,654); deleting either gives the same sequence. VCF-style (leftmost placement, unchanged base first): chr1-209790652-TC-T. GRCh37 (hg19) VCF-style: chr1-209963997-TC-T.
Other names: c.617del, p.Gly206fs (NM_001206696.2); short protein forms G301fs, G206fs.
Identifiers: ClinVar variation 1459906 (VCV001459906.6), dbSNP rs2102536939, ClinGen allele CA2573131480.

ClinVar aggregate classification (germline): Pathogenic (1 of 4 stars; one submission).

Conditions:
Van der Woude syndrome. Identifiers: Orphanet 888, MedGen C0175697, MONDO:0019508.
Popliteal pterygium syndrome (PPS). Identifiers: Orphanet 294963, MedGen C0265259, MONDO:0017435.
Orofacial cleft 6, susceptibility to (OFC6). Also called: CLEFT LIP WITH OR WITHOUT CLEFT PALATE, NONSYNDROMIC, 6. Identifiers: MedGen C1837213, MONDO:0012141, OMIM 608864.

Submission:

Labcorp Genetics (formerly Invitae), Labcorp
Classification: Pathogenic for Orofacial cleft 6, susceptibility to; Van der Woude syndrome; Popliteal pterygium syndrome. Last evaluated: 2021-10-27. Review status: criteria provided, single submitter. Criteria: Invitae Variant Classification Sherloc (09022015). Collection method: clinical testing. Allele origin: germline.
Comment: For these reasons, this variant has been classified as Pathogenic. This variant has not been reported in the literature in individuals affected with IRF6-related conditions. This variant is not present in population databases (gnomAD no frequency). This sequence change creates a premature translational stop signal (p.Gly301Aspfs*2) in the IRF6 gene. It is expected to result in an absent or disrupted protein product. Loss-of-function variants in IRF6 are known to be pathogenic (PMID: 19282774, 23949966).

Literature cited by the submitters: PubMed 19282774; PubMed 23949966.